The following is an entry in ClinVar:

ClinVar aggregate classification (germline): Uncertain significance. Review status: criteria provided, multiple submitters, no conflicts (2 of 4 stars). 2 submissions from 2 submitters: Uncertain significance (2). Last evaluated 2026-02-20.

Conditions:
Hereditary cancer-predisposing syndrome. Also called: Tumor predisposition; Hereditary Cancer Syndrome; Hereditary neoplastic syndrome; Neoplastic Syndromes, Hereditary. Identifiers: Orphanet 140162, MedGen C0027672, MeSH D009386, MONDO:0015356.
Renal cell carcinoma. Identifiers: Orphanet 217071, MedGen C0007134, MeSH D002292, MONDO:0005086, HP:0005584.

Submissions (2):

Ambry Genetics
Classification: Uncertain significance for Hereditary cancer-predisposing syndrome. Last evaluated: 2026-02-20. Review status: criteria provided, single submitter. Criteria: Ambry Variant Classification Scheme 2023. Collection method: clinical testing. Allele origin: germline.
Comment: The c.1200+2T>C intronic variant results from a T to C substitution two nucleotides after coding exon 1 in the MET gene. This nucleotide position is highly conserved in available vertebrate species. In silico splice site analysis predicts that this alteration will weaken the native splice donor site. Variants that disrupt the canonical splice site are expected to cause aberrant splicing, resulting in an abnormal protein or a transcript that is subject to nonsense-mediated mRNA decay; however, +2T>C variants are capable of generating wild-type transcripts in some genomic contexts and should be interpreted with caution (Lin JH et al. Hum Mutat. 2019 10;40:1856-1873) and loss of function of MET has not been established as a mechanism of disease. Based on the available evidence, the clinical significance of this variant remains unclear.

Labcorp Genetics (formerly Invitae), Labcorp
Classification: Uncertain significance for Renal cell carcinoma. Last evaluated: 2023-03-07. Review status: criteria provided, single submitter. Criteria: Invitae Variant Classification Sherloc (09022015). Collection method: clinical testing. Allele origin: germline.
Comment: In summary, the available evidence is currently insufficient to determine the role of this variant in disease. Therefore, it has been classified as a Variant of Uncertain Significance. Algorithms developed to predict the effect of sequence changes on RNA splicing suggest that this variant may disrupt the consensus splice site. ClinVar contains an entry for this variant (Variation ID: 1747281). This variant has not been reported in the literature in individuals affected with MET-related conditions. This variant is not present in population databases (gnomAD no frequency). This sequence change affects a donor splice site in intron 2 of the MET gene. It is expected to disrupt RNA splicing. Variants that disrupt the donor or acceptor splice site typically lead to a loss of protein function (PMID: 16199547), however the current clinical and genetic evidence is not sufficient to establish whether loss-of-function variants in MET cause disease.

Literature cited by the submitters: PubMed 16199547 (cited by Labcorp Genetics (formerly Invitae), Labcorp).

NM_000245.4(MET):c.1200+2T>C

Gene: MET (MET proto-oncogene, receptor tyrosine kinase; plus strand). Cytogenetic location: 7q31.2.
Variant type: single nucleotide variant.
Coding change: c.1200+2T>C on transcript NM_000245.4 (MANE Select); the canonical splice donor site of the intron after coding-DNA position 1200, T replaced by C.
Molecular consequence: splice donor variant. On other transcripts: intron variant (1).
Genome position (GRCh38, 1-based): chr7:116,700,286, T>C. VCF-style: chr7-116700286-T-C. GRCh37 (hg19) VCF-style: chr7-116340340-T-C.
Other names: c.1200+2T>C (NM_001127500.3, NM_001324401.3); c.-91+27709T>C (NM_001324402.2).
Identifiers: ClinVar variation 1747281 (VCV001747281.6), dbSNP rs2116607832, ClinGen allele CA368970773.
Genomic context (GRCh38, chr7:116,700,286, plus strand): 5'-ACAATGTGAGATGTCTCCAGCATTTTTACGGACCCAATCATGAGCACTGCTTTAATAGGG[T>C]AAGTCACATCAGTTCCCCACTTATAAACTGTGAGGTATAAATTAGAAATAAGTATCAGTC-3'